The following is an entry in ClinVar:

ClinVar aggregate classification (germline): Uncertain significance (1 of 4 stars; one submission).

Conditions:
Inborn genetic diseases. Identifiers: MedGen C0950123, MeSH D030342.

Submission:

Ambry Genetics
Classification: Uncertain significance for Inborn genetic diseases. Last evaluated: 2025-04-09. Review status: criteria provided, single submitter. Criteria: Ambry Variant Classification Scheme 2023. Collection method: clinical testing. Allele origin: germline.
Comment: The p.Y35H variant (also known as c.103T>C), located in coding exon 1 of the ANKRD26 gene, results from a T to C substitution at nucleotide position 103. The tyrosine at codon 35 is replaced by histidine, an amino acid with similar properties. This amino acid position is conserved. In addition, this alteration is predicted to be tolerated by in silico analysis. Based on the available evidence, the clinical significance of this variant remains unclear.

NM_014915.3(ANKRD26):c.103T>C (p.Tyr35His)

Genes: ANKRD26 (ankyrin repeat domain containing 26; minus strand), LOC130003554 (ATAC-STARR-seq lymphoblastoid silent region 2243; plus strand). Cytogenetic location: 10p12.1.
Variant type: single nucleotide variant.
Coding change: c.103T>C on transcript NM_014915.3 (MANE Select); coding-DNA position 103, T replaced by C.
Protein change: p.Tyr35His; replaces tyrosine 35 with histidine.
Molecular consequence: missense variant.
Genome position (GRCh38, 1-based): chr10:27,100,224, A>G on the plus strand (T>C on the coding strand, the complement: ANKRD26 is on the minus strand). VCF-style: chr10-27100224-A-G. GRCh37 (hg19) VCF-style: chr10-27389153-A-G.
Other names: c.103T>C, p.Tyr35His (NM_001256053.2); short protein forms Y35H.
Identifiers: ClinVar variation 3913628 (VCV003913628.1).